The following is an entry in ClinVar:

NM_001384732.1(CPLANE1):c.2479T>A (p.Leu827Ile)

Gene: CPLANE1 (ciliogenesis and planar polarity effector complex subunit 1; minus strand). Cytogenetic location: 5p13.2.
Variant type: single nucleotide variant.
Coding change: c.2479T>A on transcript NM_001384732.1 (MANE Select); coding-DNA position 2479, T replaced by A.
Protein change: p.Leu827Ile; replaces leucine 827 with isoleucine.
Molecular consequence: missense variant.
Genome position (GRCh38, 1-based): chr5:37,224,553, A>T on the plus strand (T>A on the coding strand, the complement: CPLANE1 is on the minus strand). VCF-style: chr5-37224553-A-T. GRCh37 (hg19) VCF-style: chr5-37224655-A-T.
Other names: c.2479T>A, p.Leu827Ile (NM_023073.4); c.2479T>A (NM_023073.3); short protein forms L827I.
Identifiers: ClinVar variation 2163071 (VCV002163071.5), dbSNP rs2548546249, ClinGen allele CA359492459.
Genomic context (GRCh38, chr5:37,224,553, plus strand): 5'-TTTATTCATGGAGTTAGAAAATATTCATAAGATACTGACCATTGATAGATTTAAGTTCTA[A>T]GGTTTGATTCAAGCAATCTCCAGTACTCTGTAGGTTAGCCTGCAAATGACATAACAGGGA-3'
Protein context (NP_001371661.1, residues 817-837): QSTGDCLNQT[Leu827Ile]ELKSINGEEC

ClinVar aggregate classification (germline): Uncertain significance. Review status: criteria provided, multiple submitters, no conflicts (2 of 4 stars). 2 submissions from 2 submitters: Uncertain significance (2). Last evaluated 2024-02-07.

Conditions:
Orofaciodigital syndrome type 6 (OFD6). Also called: OROFACIODIGITAL SYNDROME VI; OFDS VI; POLYDACTYLY, CLEFT LIP/PALATE OR LINGUAL LUMP, AND PSYCHOMOTOR RETARDATION; VARADI SYNDROME; VARADI-PAPP SYNDROME; Oral-facial-digital syndrome type 6. Identifiers: Orphanet 2754, MedGen C2745997, MONDO:0010176, OMIM 277170.
Joubert syndrome 17 (JBTS17). Identifiers: Orphanet 475, MedGen C3553264, MONDO:0013824, OMIM 614615.

Allele frequency attached by ClinVar (database versions not stated): gnomAD exomes 0.00002.
gnomAD v4.1: 25 of 1,550,702 alleles (0.0016%); highest among the groups gnomAD compares: Non-Finnish European, 0.0022%; no homozygotes.

Submissions (2):

Fulgent Genetics
Classification: Uncertain significance for Orofaciodigital syndrome type 6; Joubert syndrome 17. Last evaluated: 2024-02-07. Review status: criteria provided, single submitter. Criteria: ACMG Guidelines, 2015. Collection method: clinical testing. Allele origin: germline.

Labcorp Genetics (formerly Invitae), Labcorp
Classification: Uncertain significance. Last evaluated: 2022-03-26. Review status: criteria provided, single submitter. Criteria: Invitae Variant Classification Sherloc (09022015). Collection method: clinical testing. Allele origin: germline.
Comment: In summary, the available evidence is currently insufficient to determine the role of this variant in disease. Therefore, it has been classified as a Variant of Uncertain Significance. Advanced modeling of protein sequence and biophysical properties (such as structural, functional, and spatial information, amino acid conservation, physicochemical variation, residue mobility, and thermodynamic stability) performed at Invitae indicates that this missense variant is not expected to disrupt CPLANE1 protein function. This variant has not been reported in the literature in individuals affected with CPLANE1-related conditions. This variant is not present in population databases (gnomAD no frequency). This sequence change replaces leucine, which is neutral and non-polar, with isoleucine, which is neutral and non-polar, at codon 827 of the CPLANE1 protein (p.Leu827Ile).